The following is an entry in ClinVar:

ClinVar aggregate classification (germline): not provided (0 of 4 stars; one submission).

Conditions:
BLOOD GROUP, KIDD SYSTEM (JK). Identifiers: MedGen C0022645, OMIM 111000.

Submission:

Blood Transfusion Service Zurich, Swiss Red Cross
No classification provided. Condition: BLOOD GROUP, KIDD SYSTEM. Last evaluated: 2021-08-11. Review status: no classification provided. Collection method: research. Allele origin: inherited. Inheritance: Codominant. Affected: yes.
Comment: Kidd blood group system (JK, ISBT 009, Gene: SLC14A1), JK*A null allele, 5094 bp deletion spanning exon 9 to 10 (NM_015865.7)

NM_015865.7(SLC14A1):c.947-1453_*2066del

Gene: SLC14A1 (solute carrier family 14 member 1 (Kidd blood group); plus strand). Cytogenetic location: 18q12.3.
Variant type: Deletion.
Coding change: c.947-1453_*2066del on transcript NM_015865.7 (MANE Select); 1453 bases into the intron before coding-DNA position 947 through 2066 bases downstream of the stop codon, 5,095 bases deleted.
Molecular consequence: splice acceptor variant, splice donor variant.
Genome position (GRCh38, 1-based): chr18:45,746,923-45,752,017, 5,095 bases deleted. GRCh37 (hg19): chr18:43,326,888-43,331,982.
Other names: c.1115-1453_*2066del (NM_001128588.4, NM_001146037.1); c.947-1453_*2066del (NM_001146036.3); c.632-1453_*2066del (NM_001308278.2); c.551-1453_*2066del (NM_001308279.2).
Identifiers: ClinVar variation 1202625 (VCV001202625.3), ClinGen allele CA2499225145.